The following is an entry in ClinVar:

NM_005251.3(FOXC2):c.1238_1253del (p.Gln413fs)

Gene: FOXC2 (forkhead box C2; plus strand). Cytogenetic location: 16q24.1.
Variant type: Deletion.
Coding change: c.1238_1253del on transcript NM_005251.3 (MANE Select); coding-DNA positions 1238 to 1253, 16 bases deleted (AGCCCGGGGCCGCCGC).
Protein change: p.Gln413fs; shifts the reading frame from glutamine 413.
Molecular consequence: frameshift variant.
Genome position (GRCh38, 1-based): chr16:86,568,573-86,568,588, AGCCCGGGGCCGCCGC deleted; deleting any 16 consecutive bases within chr16:86,568,567-86,568,588 gives the same sequence; the c. name uses the placement nearest the transcript's 3' end. VCF-style (leftmost placement, unchanged base first): chr16-86568566-ACGCCGCAGCCCGGGGC-A. GRCh37 (hg19) VCF-style: chr16-86602172-ACGCCGCAGCCCGGGGC-A.
Other names: short protein forms Q413fs.
Identifiers: ClinVar variation 5037673 (VCV005037673.1).

ClinVar aggregate classification (germline): Likely pathogenic (1 of 4 stars; one submission).

Submission:

GeneDx
Classification: Likely pathogenic. Last evaluated: 2026-04-14. Review status: criteria provided, single submitter. Criteria: GeneDx Variant Classification Process June 2021. Collection method: clinical testing. Allele origin: germline.
Comment: Frameshift variant predicted to result in abnormal protein length as the last 89 amino acids are replaced with 14 different amino acids, and other similar variants have been reported in HGMD; Not observed at significant frequency in large population cohorts (gnomAD); This variant is associated with the following publications: (PMID: 11371511)